The following is an entry in ClinVar:

NM_148919.4(PSMB8):c.731G>T (p.Gly244Val)

Gene: PSMB8 (proteasome 20S subunit beta 8; minus strand). Cytogenetic location: 6p21.32.
Variant type: single nucleotide variant.
Coding change: c.731G>T on transcript NM_148919.4 (MANE Select); coding-DNA position 731, G replaced by T.
Protein change: p.Gly244Val; replaces glycine 244 with valine.
Molecular consequence: missense variant.
Genome position (GRCh38, 1-based): chr6:32,841,542, C>A on the plus strand (G>T on the coding strand, the complement: PSMB8 is on the minus strand). VCF-style: chr6-32841542-C-A. GRCh37 (hg19) VCF-style: chr6-32809319-C-A.
Other names: c.719G>T, p.Gly240Val (NM_004159.5); short protein forms G240V, G244V.
Identifiers: ClinVar variation 1019610 (VCV001019610.9), dbSNP rs200995701, ClinGen allele CA363588331.

ClinVar aggregate classification (germline): Uncertain significance (1 of 4 stars; one submission).

Conditions:
Proteosome-associated autoinflammatory syndrome. Also called: Proteasome-associated autoinflammatory syndrome. Identifiers: Orphanet 324977, MedGen C1850568, MONDO:0009726.

Submission:

Labcorp Genetics (formerly Invitae), Labcorp
Classification: Uncertain significance for Proteosome-associated autoinflammatory syndrome. Last evaluated: 2020-05-20. Review status: criteria provided, single submitter. Criteria: Invitae Variant Classification Sherloc (09022015). Collection method: clinical testing. Allele origin: germline.
Comment: In summary, the available evidence is currently insufficient to determine the role of this variant in disease. Therefore, it has been classified as a Variant of Uncertain Significance. Algorithms developed to predict the effect of missense changes on protein structure and function (SIFT, PolyPhen-2, Align-GVGD) all suggest that this variant is likely to be disruptive, but these predictions have not been confirmed by published functional studies and their clinical significance is uncertain. This variant has not been reported in the literature in individuals with PSMB8-related conditions. This sequence change replaces glycine with valine at codon 244 of the PSMB8 protein (p.Gly244Val). The glycine residue is highly conserved and there is a moderate physicochemical difference between glycine and valine. This variant is not present in population databases (ExAC no frequency).